The following is an entry in ClinVar:

NM_001283009.2(RTEL1):c.3823-13G>A

Genes: RTEL1 (regulator of telomere elongation helicase 1; plus strand), RTEL1-TNFRSF6B (RTEL1-TNFRSF6B readthrough (NMD candidate); plus strand). Cytogenetic location: 20q13.33.
Variant type: single nucleotide variant.
Coding change: c.3823-13G>A on transcript NM_001283009.2 (MANE Select); 13 bases into the intron before coding-DNA position 3823, G replaced by A.
Molecular consequence: intron variant.
Genome position (GRCh38, 1-based): chr20:63,695,765, G>A. VCF-style: chr20-63695765-G-A. GRCh37 (hg19) VCF-style: chr20-62327118-G-A.
Other names: c.2984-13G>A (NM_001283010.1); c.3725-13G>A (NM_032957.5); c.3653-13G>A (NM_016434.4).
Identifiers: ClinVar variation 1163752 (VCV001163752.7), dbSNP rs879061607, ClinGen allele CA317530816.

ClinVar aggregate classification (germline): Uncertain significance. Review status: criteria provided, multiple submitters, no conflicts (2 of 4 stars). 2 submissions from 2 submitters: Uncertain significance (2). Last evaluated 2025-11-24.

Conditions:
Pulmonary fibrosis and/or bone marrow failure, Telomere-related, 3. Also called: PULMONARY FIBROSIS AND/OR BONE MARROW FAILURE SYNDROME, TELOMERE-RELATED, 3. Identifiers: Orphanet 2032, MedGen C4225346, MONDO:0014613, OMIM 616373.
Dyskeratosis congenita, autosomal recessive 5 (DKCB5). Identifiers: MedGen C3554656, MONDO:0014076, OMIM 615190.

Allele frequency attached by ClinVar (database versions not stated): gnomAD exomes below 0.00001; gnomAD 0.00001; TOPMed 0.00001.
gnomAD v4.1: 8 of 1,588,500 alleles (0.0005%); highest among the groups gnomAD compares: East Asian, 0.0023%; no homozygotes.

Submissions (2):

Labcorp Genetics (formerly Invitae), Labcorp
Classification: Uncertain significance for Dyskeratosis congenita, autosomal recessive 5; Pulmonary fibrosis and/or bone marrow failure, Telomere-related, 3. Last evaluated: 2025-11-24. Review status: criteria provided, single submitter. Criteria: Invitae Variant Classification Sherloc (09022015). Collection method: clinical testing. Allele origin: germline.
Comment: This sequence change falls in intron 34 of the RTEL1 gene. It does not directly change the encoded amino acid sequence of the RTEL1 protein. The frequency data for this variant in the population databases is considered unreliable, as metrics indicate poor data quality at this position in the gnomAD database. This variant has not been reported in the literature in individuals affected with RTEL1-related conditions. ClinVar contains an entry for this variant (Variation ID: 1163752). Algorithms developed to predict the effect of sequence changes on RNA splicing suggest that this variant may disrupt the consensus splice site. In summary, the available evidence is currently insufficient to determine the role of this variant in disease. Therefore, it has been classified as a Variant of Uncertain Significance.

Mayo Clinic Laboratories, Mayo Clinic
Classification: Uncertain significance. Last evaluated: 2019-12-03. Review status: criteria provided, single submitter. Criteria: ACMG Guidelines, 2015. Collection method: clinical testing. Allele origin: germline. Observed: 1 variant allele.